The following is an entry in ClinVar:

ClinVar aggregate classification (germline): Likely benign. Review status: criteria provided, single submitter (1 of 4 stars). 2 submissions from 2 submitters: Likely benign (1). 1 of the submissions does not count toward it. Last evaluated 2024-10-03.

Conditions:
LAMB1-related disorder. Also called: LAMB1-related condition.

Allele frequency attached by ClinVar (database versions not stated): 1000 Genomes Project 0.00020; ExAC 0.00001; TOPMed 0.00010; 1000 Genomes Project 30x 0.00016.
gnomAD v4.1: 32 of 1,613,864 alleles (0.002%); highest among the groups gnomAD compares: African/African-American, 0.032%; no homozygotes.

Submissions (2):

Labcorp Genetics (formerly Invitae), Labcorp
Classification: Likely benign. Last evaluated: 2024-10-03. Review status: criteria provided, single submitter. Criteria: Invitae Variant Classification Sherloc (09022015). Collection method: clinical testing. Allele origin: germline.

PreventionGenetics, part of Exact Sciences
Classification: Likely benign for LAMB1-related condition. Last evaluated: 2019-12-26. Review status: no assertion criteria provided. Collection method: clinical testing. Allele origin: germline. Not counted in ClinVar's aggregate classification.
Comment: This variant is classified as likely benign based on ACMG/AMP sequence variant interpretation guidelines (Richards et al. 2015 PMID: 25741868, with internal and published modifications).

NM_002291.3(LAMB1):c.234A>T (p.Ile78=)

Gene: LAMB1 (laminin subunit beta 1; minus strand). Cytogenetic location: 7q31.1.
Variant type: single nucleotide variant.
Coding change: c.234A>T on transcript NM_002291.3 (MANE Select); coding-DNA position 234, A replaced by T.
Protein change: p.Ile78=; no amino-acid change (isoleucine 78 retained).
Molecular consequence: synonymous variant.
Genome position (GRCh38, 1-based): chr7:107,998,472, T>A on the plus strand (A>T on the coding strand, the complement: LAMB1 is on the minus strand). VCF-style: chr7-107998472-T-A. GRCh37 (hg19) VCF-style: chr7-107638917-T-A.
Identifiers: ClinVar variation 722652 (VCV000722652.7), dbSNP rs529426937, ClinGen allele CA4436359.
Genomic context (GRCh38, chr7:107,998,472, plus strand): 5'-ATTTTCAATGAGATGGCTGTCAGGATTCAGGGTCTCATGATAAGGATCTTGGGAATTGCA[T>A]ATGAAGCATTTTTTGTCCTCCTACAAACAAAGTTGAGTTCATCAGTCTAGAAAGCAATCT-3'
Protein context (NP_002282.2, residues 68-88): SHLQEDKKCF[Ile78=]CNSQDPYHET